The following is an entry in ClinVar:

NM_017525.3(CDC42BPG):c.3366C>T (p.Asn1122=)

Gene: CDC42BPG (CDC42 binding protein kinase gamma; minus strand). Cytogenetic location: 11q13.1.
Variant type: single nucleotide variant.
Coding change: c.3366C>T on transcript NM_017525.3 (MANE Select); coding-DNA position 3366, C replaced by T.
Protein change: p.Asn1122=; no amino-acid change (asparagine 1122 retained).
Molecular consequence: synonymous variant.
Genome position (GRCh38, 1-based): chr11:64,830,195, G>A on the plus strand (C>T on the coding strand, the complement: CDC42BPG is on the minus strand). VCF-style: chr11-64830195-G-A. GRCh37 (hg19) VCF-style: chr11-64597667-G-A.
Identifiers: ClinVar variation 2641935 (VCV002641935.24), dbSNP rs142016620, ClinGen allele CA6082765.

ClinVar aggregate classification (germline): Likely benign (1 of 4 stars; one submission).

Allele frequency attached by ClinVar (database versions not stated): ESP Exome Variant Server 0.00015; gnomAD 0.00001; gnomAD exomes 0.00001; ExAC 0.00002; TOPMed 0.00002.
gnomAD v4.1: 25 of 1,613,496 alleles (0.0015%); highest among the groups gnomAD compares: Non-Finnish European, 0.0017%; no homozygotes.

Submission:

CeGaT Center for Human Genetics Tuebingen
Classification: Likely benign. Last evaluated: 2022-07-01. Review status: criteria provided, single submitter. Criteria: CeGaT Center For Human Genetics Tuebingen Variant Classification Criteria Version 2. Collection method: clinical testing. Allele origin: germline. Affected: yes. Observed: 1 variant allele.
Comment: CDC42BPG: BP4, BP7